The following is an entry in ClinVar:

ClinVar aggregate classification (germline): Uncertain significance. Review status: criteria provided, multiple submitters, no conflicts (2 of 4 stars). 2 submissions from 2 submitters: Uncertain significance (2). Last evaluated 2024-08-21.

Conditions:
Developmental and epileptic encephalopathy, 11 (DEE11). Also called: Early infantile epileptic encephalopathy 11. Identifiers: Orphanet 1934, MedGen C3150987, MONDO:0013388, OMIM 613721.
Seizures, benign familial infantile, 3 (BFIS3). Also called: CONVULSIONS, BENIGN FAMILIAL INFANTILE, 3; Familial neonatal seizures. Identifiers: Orphanet 140927, Orphanet 306, MedGen C1843140, MONDO:0011904, OMIM 607745.

Submissions (2):

GeneDx
Classification: Uncertain significance. Last evaluated: 2024-08-21. Review status: criteria provided, single submitter. Criteria: GeneDx Variant Classification Process June 2021. Collection method: clinical testing. Allele origin: germline. Affected: yes.
Comment: Not observed at significant frequency in large population cohorts (gnomAD); In silico analysis supports that this missense variant has a deleterious effect on protein structure/function; Has not been previously published as pathogenic or benign to our knowledge; This substitution is predicted to be within the N-terminal cytoplasmic domain

Labcorp Genetics (formerly Invitae), Labcorp
Classification: Uncertain significance for Seizures, benign familial infantile, 3; Developmental and epileptic encephalopathy, 11. Last evaluated: 2024-06-19. Review status: criteria provided, single submitter. Criteria: Invitae Variant Classification Sherloc (09022015). Collection method: clinical testing. Allele origin: germline.
Comment: This sequence change replaces glutamic acid, which is acidic and polar, with lysine, which is basic and polar, at codon 32 of the SCN2A protein (p.Glu32Lys). This variant is not present in population databases (gnomAD no frequency). This variant has not been reported in the literature in individuals affected with SCN2A-related conditions. Advanced modeling of protein sequence and biophysical properties (such as structural, functional, and spatial information, amino acid conservation, physicochemical variation, residue mobility, and thermodynamic stability) performed at Invitae indicates that this missense variant is expected to disrupt SCN2A protein function with a positive predictive value of 95%. In summary, the available evidence is currently insufficient to determine the role of this variant in disease. Therefore, it has been classified as a Variant of Uncertain Significance.

NM_001040142.2(SCN2A):c.94G>A (p.Glu32Lys)

Gene: SCN2A (sodium voltage-gated channel alpha subunit 2; plus strand). Cytogenetic location: 2q24.3.
Variant type: single nucleotide variant.
Coding change: c.94G>A on transcript NM_001040142.2 (MANE Select); coding-DNA position 94, G replaced by A.
Protein change: p.Glu32Lys; replaces glutamic acid 32 with lysine.
Molecular consequence: missense variant.
Genome position (GRCh38, 1-based): chr2:165,295,917, G>A. VCF-style: chr2-165295917-G-A. GRCh37 (hg19) VCF-style: chr2-166152427-G-A.
Other names: c.94G>A, p.Glu32Lys (NM_001040143.2, NM_001371246.1, NM_001371247.1 and 1 more transcripts); c.94G>A (NM_021007.2); short protein forms E32K.
Identifiers: ClinVar variation 3753647 (VCV003753647.2).